The following is an entry in ClinVar:

ClinVar aggregate classification (germline): Uncertain significance (1 of 4 stars; one submission).

Submission:

Labcorp Genetics (formerly Invitae), Labcorp
Classification: Uncertain significance. Last evaluated: 2022-03-14. Review status: criteria provided, single submitter. Criteria: Invitae Variant Classification Sherloc (09022015). Collection method: clinical testing. Allele origin: germline.
Comment: In summary, the available evidence is currently insufficient to determine the role of this variant in disease. Therefore, it has been classified as a Variant of Uncertain Significance. Algorithms developed to predict the effect of missense changes on protein structure and function are either unavailable or do not agree on the potential impact of this missense change (SIFT: "Deleterious"; PolyPhen-2: "Possibly Damaging"; Align-GVGD: "Class C0"). This variant has not been reported in the literature in individuals affected with IARS2-related conditions. This variant is not present in population databases (gnomAD no frequency). This sequence change replaces glycine, which is neutral and non-polar, with valine, which is neutral and non-polar, at codon 11 of the IARS2 protein (p.Gly11Val).

NM_018060.4(IARS2):c.32G>T (p.Gly11Val)

Genes: IARS2 (isoleucyl-tRNA synthetase 2, mitochondrial; plus strand), LOC129932529 (ATAC-STARR-seq lymphoblastoid silent region 1823; plus strand). Cytogenetic location: 1q41.
Variant type: single nucleotide variant.
Coding change: c.32G>T on transcript NM_018060.4 (MANE Select); coding-DNA position 32, G replaced by T.
Protein change: p.Gly11Val; replaces glycine 11 with valine.
Molecular consequence: missense variant.
Genome position (GRCh38, 1-based): chr1:220,094,248, G>T. VCF-style: chr1-220094248-G-T. GRCh37 (hg19) VCF-style: chr1-220267590-G-T.
Other names: short protein forms G11V.
Identifiers: ClinVar variation 2112205 (VCV002112205.4), dbSNP rs1656387942, ClinGen allele CA344618846.